The following is an entry in ClinVar:

NM_000392.5(ABCC2):c.1407G>A (p.Val469=)

Gene: ABCC2 (ATP binding cassette subfamily C member 2; plus strand). Cytogenetic location: 10q24.2.
Variant type: single nucleotide variant.
Coding change: c.1407G>A on transcript NM_000392.5 (MANE Select); coding-DNA position 1407, G replaced by A.
Protein change: p.Val469=; no amino-acid change (valine 469 retained).
Molecular consequence: synonymous variant.
Genome position (GRCh38, 1-based): chr10:99,804,216, G>A. VCF-style: chr10-99804216-G-A. GRCh37 (hg19) VCF-style: chr10-101563973-G-A.
Identifiers: ClinVar variation 4996320 (VCV004996320.1).

ClinVar aggregate classification (germline): Uncertain significance (1 of 4 stars; one submission).

Conditions:
ABCC2-related disorder. Also called: ABCC2-related condition.

Submission:

PreventionGenetics, part of Exact Sciences
Classification: Uncertain significance for ABCC2-related condition. Last evaluated: 2025-11-02. Review status: criteria provided, single submitter. Criteria: ACMG Guidelines, 2015. Collection method: clinical testing. Allele origin: germline.
Comment: The ABCC2 c.1407G>A variant is not predicted to result in an amino acid change (p.=). This variant is predicted to alter splicing based on available splicing prediction programs (SpliceAI, Jaganathan et al. 2019. PubMed ID: 30661751). To our knowledge, this variant has not been reported in the literature or in a large population database (gnomAD), indicating this variant is rare. At this time, the clinical significance of this variant is uncertain due to the absence of conclusive functional and genetic evidence.